The following is an entry in ClinVar:

ClinVar aggregate classification (germline): Uncertain significance (1 of 4 stars; one submission).

Submission:

Labcorp Genetics (formerly Invitae), Labcorp
Classification: Uncertain significance. Last evaluated: 2025-04-28. Review status: criteria provided, single submitter. Criteria: Invitae Variant Classification Sherloc (09022015). Collection method: clinical testing. Allele origin: germline.
Comment: This sequence change replaces phenylalanine, which is neutral and non-polar, with leucine, which is neutral and non-polar, at codon 1179 of the PIEZO2 protein (p.Phe1179Leu). This variant is not present in population databases (gnomAD no frequency). This variant has not been reported in the literature in individuals affected with PIEZO2-related conditions. Invitae Evidence Modeling of protein sequence and biophysical properties (such as structural, functional, and spatial information, amino acid conservation, physicochemical variation, residue mobility, and thermodynamic stability) indicates that this missense variant is not expected to disrupt PIEZO2 protein function with a negative predictive value of 80%. In summary, the available evidence is currently insufficient to determine the role of this variant in disease. Therefore, it has been classified as a Variant of Uncertain Significance.

NM_001378183.1(PIEZO2):c.3612C>A (p.Phe1204Leu)

Gene: PIEZO2 (piezo type mechanosensitive ion channel component 2; minus strand). Cytogenetic location: 18p11.22.
Variant type: single nucleotide variant.
Coding change: c.3612C>A on transcript NM_001378183.1 (MANE Select); coding-DNA position 3612, C replaced by A.
Protein change: p.Phe1204Leu; replaces phenylalanine 1204 with leucine.
Molecular consequence: missense variant.
Genome position (GRCh38, 1-based): chr18:10,759,748, G>T on the plus strand (C>A on the coding strand, the complement: PIEZO2 is on the minus strand). VCF-style: chr18-10759748-G-T. GRCh37 (hg19) VCF-style: chr18-10759746-G-T.
Other names: c.3612C>A, p.Phe1204Leu (NM_001410871.1); c.3537C>A, p.Phe1179Leu (NM_022068.4); short protein forms F1204L, F1179L.
Identifiers: ClinVar variation 4772094 (VCV004772094.1).